The following is an entry in ClinVar:

ClinVar aggregate classification (germline): Pathogenic/Likely pathogenic. Review status: criteria provided, multiple submitters, no conflicts (2 of 4 stars). 2 submissions from 2 submitters: Pathogenic (1); Likely pathogenic (1). Last evaluated 2024-04-12.

Conditions:
COACH syndrome 2. Identifiers: MedGen C5436837, MONDO:0030859, OMIM 619111.
Meckel syndrome, type 6. Identifiers: Orphanet 564, MedGen C2676790, MONDO:0012848, OMIM 612284.
Joubert syndrome 9 (JBTS9). Identifiers: Orphanet 2318, MedGen C2676788, MONDO:0012849, OMIM 612285.
Retinitis pigmentosa 93. Identifiers: MedGen C5676970, MONDO:0030797, OMIM 619845.
Joubert syndrome. Also called: JOUBERT-BOLTSHAUSER SYNDROME; Familial aplasia of the vermis. Identifiers: Orphanet 475, MedGen C5979921, MONDO:0018772.
Meckel-Gruber syndrome. Also called: DYSENCEPHALIA SPLANCHNOCYSTICA; GRUBER SYNDROME; Dysencephalia splachnocystica. Identifiers: Orphanet 564, MedGen C0265215, MONDO:0018921.

Allele frequency attached by ClinVar (database versions not stated): gnomAD exomes below 0.00001.
gnomAD v4.1: 2 of 1,613,362 alleles (0.00012%); highest among the groups gnomAD compares: Non-Finnish European, 0.00017%; no homozygotes.

Submissions (2):

Fulgent Genetics
Classification: Likely pathogenic for Meckel syndrome, type 6; Joubert syndrome 9; COACH syndrome 2; Retinitis pigmentosa 93. Last evaluated: 2024-04-12. Review status: criteria provided, single submitter. Criteria: ACMG Guidelines, 2015. Collection method: clinical testing. Allele origin: germline.

Labcorp Genetics (formerly Invitae), Labcorp
Classification: Pathogenic for Joubert syndrome; Meckel-Gruber syndrome. Last evaluated: 2023-02-08. Review status: criteria provided, single submitter. Criteria: Invitae Variant Classification Sherloc (09022015). Collection method: clinical testing. Allele origin: germline.
Comment: This sequence change creates a premature translational stop signal (p.Gln155*) in the CC2D2A gene. It is expected to result in an absent or disrupted protein product. Loss-of-function variants in CC2D2A are known to be pathogenic (PMID: 19777577). For these reasons, this variant has been classified as Pathogenic. This variant has not been reported in the literature in individuals affected with CC2D2A-related conditions. This variant is not present in population databases (gnomAD no frequency).

Literature cited by the submitters: PubMed 19777577 (cited by Labcorp Genetics (formerly Invitae), Labcorp).

NM_001378615.1(CC2D2A):c.463C>T (p.Gln155Ter)

Genes: CC2D2A (coiled-coil and C2 domain containing 2A; plus strand), FBXL5 (F-box and leucine rich repeat protein 5; minus strand). Cytogenetic location: 4p15.32.
Variant type: single nucleotide variant.
Coding change: c.463C>T on transcript NM_001378615.1 (MANE Select); coding-DNA position 463, C replaced by T.
Protein change: p.Gln155Ter; replaces glutamine 155 with a stop codon.
Molecular consequence: nonsense.
Genome position (GRCh38, 1-based): chr4:15,510,163, C>T. VCF-style: chr4-15510163-C-T. GRCh37 (hg19) VCF-style: chr4-15511786-C-T.
Other names: c.463C>T, p.Gln155Ter (NM_001080522.2); c.316C>T, p.Gln106Ter (NM_001378617.1); short protein forms Q106*, Q155*.
Identifiers: ClinVar variation 2925185 (VCV002925185.4), dbSNP rs2474909050, ClinGen allele CA356408524.